The following is an entry in ClinVar:

ClinVar aggregate classification (germline): Uncertain significance (1 of 4 stars; one submission).

Conditions:
Loeys-Dietz syndrome 2 (LDS2). Also called: AORTIC ANEURYSM, FAMILIAL THORACIC 3; MARFAN SYNDROME, TYPE II; Marfan syndrome, type 2 (formerly); TGFBR2-Related Loeys-Dietz Syndrome; Marfan Syndrome type 2; Marfan like connective tissue disorder. Identifiers: Orphanet 284973, Orphanet 558, MedGen C2674574, MONDO:0012427, OMIM 610168.

Allele frequency attached by ClinVar (database versions not stated): gnomAD exomes below 0.00001.
gnomAD v4.1: 1 of 1,419,082 alleles (0.00007%); highest among the groups gnomAD compares: Non-Finnish European, 0.000091%; no homozygotes.

Submission:

Labcorp Genetics (formerly Invitae), Labcorp
Classification: Uncertain significance for Loeys-Dietz syndrome 2. Last evaluated: 2022-08-23. Review status: criteria provided, single submitter. Criteria: Invitae Variant Classification Sherloc (09022015). Collection method: clinical testing. Allele origin: germline.
Comment: ClinVar contains an entry for this variant (Variation ID: 536977). In summary, the available evidence is currently insufficient to determine the role of this variant in disease. Therefore, it has been classified as a Variant of Uncertain Significance. Algorithms developed to predict the effect of missense changes on protein structure and function are either unavailable or do not agree on the potential impact of this missense change (SIFT: "Deleterious"; PolyPhen-2: "Benign"; Align-GVGD: "Class C25"). This variant has not been reported in the literature in individuals affected with TMPO-related conditions. This variant is not present in population databases (gnomAD no frequency). This sequence change replaces arginine, which is basic and polar, with lysine, which is basic and polar, at codon 93 of the TMPO protein (p.Arg93Lys).

NM_001032283.3(TMPO):c.278G>A (p.Arg93Lys)

Genes: TMPO (thymopoietin; plus strand), TMPO-AS1 (TMPO antisense RNA 1; minus strand), LOC130008520 (ATAC-STARR-seq lymphoblastoid silent region 4752; plus strand). Cytogenetic location: 12q23.1.
Variant type: single nucleotide variant.
Coding change: c.278G>A on transcript NM_001032283.3 (MANE Select); coding-DNA position 278, G replaced by A.
Protein change: p.Arg93Lys; replaces arginine 93 with lysine.
Molecular consequence: missense variant. On other transcripts: non-coding transcript variant (1).
Genome position (GRCh38, 1-based): chr12:98,516,145, G>A. VCF-style: chr12-98516145-G-A. GRCh37 (hg19) VCF-style: chr12-98909923-G-A.
Other names: c.278G>A, p.Arg93Lys (NM_001032284.3, NM_001307975.2, NM_003276.2); short protein forms R93K.
Identifiers: ClinVar variation 536977 (VCV000536977.10), dbSNP rs1555201635, ClinGen allele CA386239793.